The following is an entry in ClinVar:

ClinVar aggregate classification (germline): Uncertain significance (1 of 4 stars; one submission).

Allele frequency attached by ClinVar (database versions not stated): gnomAD exomes below 0.00001.
gnomAD v4.1: 1 of 1,614,164 alleles (0.000062%); highest among the groups gnomAD compares: Admixed American, 0.0017%; no homozygotes.

Submission:

Labcorp Genetics (formerly Invitae), Labcorp
Classification: Uncertain significance. Last evaluated: 2022-02-18. Review status: criteria provided, single submitter. Criteria: Invitae Variant Classification Sherloc (09022015). Collection method: clinical testing. Allele origin: germline.
Comment: This sequence change replaces serine, which is neutral and polar, with threonine, which is neutral and polar, at codon 474 of the ACAD9 protein (p.Ser474Thr). This variant is present in population databases (no rsID available, gnomAD 0.003%). This variant has not been reported in the literature in individuals affected with ACAD9-related conditions. Advanced modeling of protein sequence and biophysical properties (such as structural, functional, and spatial information, amino acid conservation, physicochemical variation, residue mobility, and thermodynamic stability) performed at Invitae indicates that this missense variant is not expected to disrupt ACAD9 protein function. In summary, the available evidence is currently insufficient to determine the role of this variant in disease. Therefore, it has been classified as a Variant of Uncertain Significance.

NM_014049.5(ACAD9):c.1420T>A (p.Ser474Thr)

Gene: ACAD9 (acyl-CoA dehydrogenase family member 9; plus strand). Cytogenetic location: 3q21.3.
Variant type: single nucleotide variant.
Coding change: c.1420T>A on transcript NM_014049.5 (MANE Select); coding-DNA position 1420, T replaced by A.
Protein change: p.Ser474Thr; replaces serine 474 with threonine.
Molecular consequence: missense variant. On other transcripts: non-coding transcript variant (1).
Genome position (GRCh38, 1-based): chr3:128,909,034, T>A. VCF-style: chr3-128909034-T-A. GRCh37 (hg19) VCF-style: chr3-128627877-T-A.
Other names: short protein forms S474T.
Identifiers: ClinVar variation 1384237 (VCV001384237.3), dbSNP rs1194653869, ClinGen allele CA354438345.